The following is an entry in ClinVar:

NM_001378418.1(TCF20):c.3796A>G (p.Ser1266Gly)

Gene: TCF20 (transcription factor 20; minus strand). Cytogenetic location: 22q13.2.
Variant type: single nucleotide variant.
Coding change: c.3796A>G on transcript NM_001378418.1 (MANE Select); coding-DNA position 3796, A replaced by G.
Protein change: p.Ser1266Gly; replaces serine 1266 with glycine.
Molecular consequence: missense variant.
Genome position (GRCh38, 1-based): chr22:42,211,510, T>C on the plus strand (A>G on the coding strand, the complement: TCF20 is on the minus strand). VCF-style: chr22-42211510-T-C. GRCh37 (hg19) VCF-style: chr22-42607516-T-C.
Other names: c.3796A>G, p.Ser1266Gly (NM_005650.4, NM_181492.3); short protein forms S1266G.
Identifiers: ClinVar variation 2846336 (VCV002846336.3), dbSNP rs777269731, ClinGen allele CA411785707.

ClinVar aggregate classification (germline): Uncertain significance (1 of 4 stars; one submission).

gnomAD v4.1: 4 of 1,614,198 alleles (0.00025%); highest among the groups gnomAD compares: South Asian, 0.0011%; no homozygotes.

Submission:

Labcorp Genetics (formerly Invitae), Labcorp
Classification: Uncertain significance. Last evaluated: 2023-04-26. Review status: criteria provided, single submitter. Criteria: Invitae Variant Classification Sherloc (09022015). Collection method: clinical testing. Allele origin: germline.
Comment: This sequence change replaces serine, which is neutral and polar, with glycine, which is neutral and non-polar, at codon 1266 of the TCF20 protein (p.Ser1266Gly). This variant is not present in population databases (gnomAD no frequency). This variant has not been reported in the literature in individuals affected with TCF20-related conditions. An algorithm developed to predict the effect of missense changes on protein structure and function (PolyPhen-2) suggests that this variant is likely to be tolerated. In summary, the available evidence is currently insufficient to determine the role of this variant in disease. Therefore, it has been classified as a Variant of Uncertain Significance.